The following is an entry in ClinVar:

NM_000541.5(SAG):c.835A>G (p.Thr279Ala)

Gene: SAG (S-antigen visual arrestin; plus strand). Cytogenetic location: 2q37.1.
Variant type: single nucleotide variant.
Coding change: c.835A>G on transcript NM_000541.5 (MANE Select); coding-DNA position 835, A replaced by G.
Protein change: p.Thr279Ala; replaces threonine 279 with alanine.
Molecular consequence: missense variant.
Genome position (GRCh38, 1-based): chr2:233,334,990, A>G. VCF-style: chr2-233334990-A-G. GRCh37 (hg19) VCF-style: chr2-234243636-A-G.
Other names: short protein forms T279A.
Identifiers: ClinVar variation 4705064 (VCV004705064.1).

ClinVar aggregate classification (germline): Uncertain significance (1 of 4 stars; one submission).

gnomAD v4.1: 42 of 1,613,944 alleles (0.0026%); highest among the groups gnomAD compares: Non-Finnish European, 0.0034%; no homozygotes.

Submission:

Labcorp Genetics (formerly Invitae), Labcorp
Classification: Uncertain significance. Last evaluated: 2025-03-01. Review status: criteria provided, single submitter. Criteria: Invitae Variant Classification Sherloc (09022015). Collection method: clinical testing. Allele origin: germline.
Comment: This sequence change replaces threonine, which is neutral and polar, with alanine, which is neutral and non-polar, at codon 279 of the SAG protein (p.Thr279Ala). This variant is present in population databases (no rsID available, gnomAD 0.0009%). This variant has not been reported in the literature in individuals affected with SAG-related conditions. Invitae Evidence Modeling of protein sequence and biophysical properties (such as structural, functional, and spatial information, amino acid conservation, physicochemical variation, residue mobility, and thermodynamic stability) indicates that this missense variant is not expected to disrupt SAG protein function with a negative predictive value of 80%. In summary, the available evidence is currently insufficient to determine the role of this variant in disease. Therefore, it has been classified as a Variant of Uncertain Significance.